The following is an entry in ClinVar:

NM_018965.4(TREM2):c.292C>T (p.Arg98Trp)

Gene: TREM2 (triggering receptor expressed on myeloid cells 2; minus strand). Cytogenetic location: 6p21.1.
Variant type: single nucleotide variant.
Coding change: c.292C>T on transcript NM_018965.4 (MANE Select); coding-DNA position 292, C replaced by T.
Protein change: p.Arg98Trp; replaces arginine 98 with tryptophan.
Molecular consequence: missense variant.
Genome position (GRCh38, 1-based): chr6:41,161,362, G>A on the plus strand (C>T on the coding strand, the complement: TREM2 is on the minus strand). VCF-style: chr6-41161362-G-A. GRCh37 (hg19) VCF-style: chr6-41129100-G-A.
Other names: c.292C>T, p.Arg98Trp (NM_001271821.2); short protein forms R98W.
Identifiers: ClinVar variation 502024 (VCV000502024.7), dbSNP rs147564421, ClinGen allele CA3798931.

ClinVar aggregate classification (germline): Uncertain significance. Review status: criteria provided, multiple submitters, no conflicts (2 of 4 stars). 3 submissions from 3 submitters: Uncertain significance (3). Last evaluated 2022-07-17.

Conditions:
Polycystic lipomembranous osteodysplasia with sclerosing leukoencephalopathy 2. Also called: TREM2-Related Polycystic Lipomembranous Osteodysplasia with Sclerosing Leukoencephalopathy. Identifiers: MedGen C4748657, MONDO:0020750, OMIM 618193.

Allele frequency attached by ClinVar (database versions not stated): 1000 Genomes Project 0.00020; ESP Exome Variant Server 0.00008; TOPMed 0.00010; 1000 Genomes Project 30x 0.00016.

Submissions (3):

Labcorp Genetics (formerly Invitae), Labcorp
Classification: Uncertain significance. Last evaluated: 2022-07-17. Review status: criteria provided, single submitter. Criteria: Invitae Variant Classification Sherloc (09022015). Collection method: clinical testing. Allele origin: germline.
Comment: This sequence change replaces arginine, which is basic and polar, with tryptophan, which is neutral and slightly polar, at codon 98 of the TREM2 protein (p.Arg98Trp). This variant is present in population databases (rs147564421, gnomAD 0.02%). This missense change has been observed in individual(s) with Alzheimer disease (PMID: 23150934). ClinVar contains an entry for this variant (Variation ID: 502024). Algorithms developed to predict the effect of missense changes on protein structure and function are either unavailable or do not agree on the potential impact of this missense change (SIFT: "Deleterious"; PolyPhen-2: "Possibly Damaging"; Align-GVGD: "Class C0"). In summary, the available evidence is currently insufficient to determine the role of this variant in disease. Therefore, it has been classified as a Variant of Uncertain Significance.

Fulgent Genetics
Classification: Uncertain significance for Polycystic lipomembranous osteodysplasia with sclerosing leukoencephalopathy 2. Last evaluated: 2021-11-09. Review status: criteria provided, single submitter. Criteria: ACMG Guidelines, 2015. Collection method: clinical testing. Allele origin: unknown.

Eurofins Ntd Llc (ga)
Classification: Uncertain significance. Last evaluated: 2017-05-18. Review status: criteria provided, single submitter. Criteria: EGL Classification Definitions 2015. Collection method: clinical testing. Allele origin: germline. Observed: 1 variant allele, 1 heterozygote.

Literature cited by the submitters: PubMed 23150934 (cited by Labcorp Genetics (formerly Invitae), Labcorp).